The following is an entry in ClinVar:

NM_001312673.2(PCYT1A):c.365A>G (p.Lys122Arg)

Genes: PCYT1A (phosphate cytidylyltransferase 1A, choline; minus strand), LOC126806932 (BRD4-independent group 4 enhancer GRCh37_chr3:195973646-195974845; plus strand). Cytogenetic location: 3q29.
Variant type: single nucleotide variant.
Coding change: c.365A>G on transcript NM_001312673.2 (MANE Select); coding-DNA position 365, A replaced by G.
Protein change: p.Lys122Arg; replaces lysine 122 with arginine.
Molecular consequence: missense variant.
Genome position (GRCh38, 1-based): chr3:196,247,488, T>C on the plus strand (A>G on the coding strand, the complement: PCYT1A is on the minus strand). VCF-style: chr3-196247488-T-C. GRCh37 (hg19) VCF-style: chr3-195974359-T-C.
Other names: c.365A>G, p.Lys122Arg (NM_005017.4); short protein forms K122R.
Identifiers: ClinVar variation 1510388 (VCV001510388.4), dbSNP rs1235010313, ClinGen allele CA355612935.
Genomic context (GRCh38, chr3:196,247,488, plus strand): 5'-ACGTAGCGGCAGTGCTGGACTGCGTCATAGCGCTCATTCTCGTTCATCACCGTGAAGCCT[T>C]TGAAGTTGTGTGTGAGCTCATCACTGCAAACTGGTTCACCACATCATAAATTGTGTGTTG-3'
Protein context (NP_001299602.1, residues 112-132): VCSDELTHNF[Lys122Arg]GFTVMNENER

ClinVar aggregate classification (germline): Uncertain significance (1 of 4 stars; one submission).

Allele frequency attached by ClinVar (database versions not stated): gnomAD exomes below 0.00001; TOPMed below 0.00001.
gnomAD v4.1: 2 of 1,614,202 alleles (0.00012%); highest among the groups gnomAD compares: Non-Finnish European, 0.00017%; no homozygotes.

Submission:

Labcorp Genetics (formerly Invitae), Labcorp
Classification: Uncertain significance. Last evaluated: 2022-06-03. Review status: criteria provided, single submitter. Criteria: Invitae Variant Classification Sherloc (09022015). Collection method: clinical testing. Allele origin: germline.
Comment: ClinVar contains an entry for this variant (Variation ID: 1510388). In summary, the available evidence is currently insufficient to determine the role of this variant in disease. Therefore, it has been classified as a Variant of Uncertain Significance. Algorithms developed to predict the effect of sequence changes on RNA splicing suggest that this variant may create or strengthen a splice site. Advanced modeling of protein sequence and biophysical properties (such as structural, functional, and spatial information, amino acid conservation, physicochemical variation, residue mobility, and thermodynamic stability) performed at Invitae indicates that this missense variant is expected to disrupt PCYT1A protein function. This variant has not been reported in the literature in individuals affected with PCYT1A-related conditions. This variant is not present in population databases (gnomAD no frequency). This sequence change replaces lysine, which is basic and polar, with arginine, which is basic and polar, at codon 122 of the PCYT1A protein (p.Lys122Arg).